The following is an entry in ClinVar:

ClinVar aggregate classification (germline): Uncertain significance (1 of 4 stars; one submission).

Submission:

Labcorp Genetics (formerly Invitae), Labcorp
Classification: Uncertain significance. Last evaluated: 2025-11-17. Review status: criteria provided, single submitter. Criteria: Invitae Variant Classification Sherloc (09022015). Collection method: clinical testing. Allele origin: germline.
Comment: This sequence change replaces proline, which is neutral and non-polar, with leucine, which is neutral and non-polar, at codon 258 of the C1S protein (p.Pro258Leu). This variant is not present in population databases (gnomAD no frequency). This variant has not been reported in the literature in individuals affected with C1S-related conditions. Invitae Evidence Modeling of protein sequence and biophysical properties (such as structural, functional, and spatial information, amino acid conservation, physicochemical variation, residue mobility, and thermodynamic stability) indicates that this missense variant is not expected to disrupt C1S protein function with a negative predictive value of 80%. In summary, the available evidence is currently insufficient to determine the role of this variant in disease. Therefore, it has been classified as a Variant of Uncertain Significance.

NM_001734.5(C1S):c.773C>T (p.Pro258Leu)

Gene: C1S (complement C1s; plus strand). Cytogenetic location: 12p13.31.
Variant type: single nucleotide variant.
Coding change: c.773C>T on transcript NM_001734.5 (MANE Select); coding-DNA position 773, C replaced by T.
Protein change: p.Pro258Leu; replaces proline 258 with leucine.
Molecular consequence: missense variant.
Genome position (GRCh38, 1-based): chr12:7,065,872, C>T. VCF-style: chr12-7065872-C-T. GRCh37 (hg19) VCF-style: chr12-7173176-C-T.
Other names: c.272C>T, p.Pro91Leu (NM_001346850.2); c.773C>T, p.Pro258Leu (NM_201442.4); short protein forms P91L, P258L.
Identifiers: ClinVar variation 4691757 (VCV004691757.1).